The following is an entry in ClinVar:

ClinVar aggregate classification (germline): Likely benign. Review status: criteria provided, multiple submitters, no conflicts (2 of 4 stars). 3 submissions from 3 submitters: Likely benign (3). Last evaluated 2025-07-21.

Conditions:
Perlman syndrome (PRLMNS). Identifiers: Orphanet 2849, MedGen C0796113, MONDO:0009965, OMIM 267000.

Allele frequency attached by ClinVar (database versions not stated): gnomAD 0.00001 and 0.00002; TOPMed 0.00002; gnomAD exomes 0.00004 and 0.00005; ExAC 0.00008.
gnomAD v4.1: 61 of 1,606,102 alleles (0.0038%); highest among the groups gnomAD compares: South Asian, 0.044%; no homozygotes.

Submissions (3):

Labcorp Genetics (formerly Invitae), Labcorp
Classification: Likely benign for Perlman syndrome. Last evaluated: 2025-07-21. Review status: criteria provided, single submitter. Criteria: Invitae Variant Classification Sherloc (09022015). Collection method: clinical testing. Allele origin: germline.

CeGaT Center for Human Genetics Tuebingen
Classification: Likely benign. Last evaluated: 2024-04-01. Review status: criteria provided, single submitter. Criteria: CeGaT Center For Human Genetics Tuebingen Variant Classification Criteria Version 2. Collection method: clinical testing. Allele origin: germline. Affected: yes. Observed: 1 variant allele.
Comment: DIS3L2: BP4, BP7

Genetic Services Laboratory, University of Chicago
Classification: Likely benign. Last evaluated: 2021-08-09. Review status: criteria provided, single submitter. Criteria: ACMG Guidelines, 2015. Collection method: clinical testing. Allele origin: germline. Affected: no.

NM_152383.5(DIS3L2):c.288T>C (p.Ile96=)

Gene: DIS3L2 (DIS3 like 3'-5' exoribonuclease 2; plus strand). Cytogenetic location: 2q37.1.
Variant type: single nucleotide variant.
Coding change: c.288T>C on transcript NM_152383.5 (MANE Select); coding-DNA position 288, T replaced by C.
Protein change: p.Ile96=; no amino-acid change (isoleucine 96 retained).
Molecular consequence: synonymous variant. On other transcripts: non-coding transcript variant (2).
Genome position (GRCh38, 1-based): chr2:232,030,002, T>C. VCF-style: chr2-232030002-T-C. GRCh37 (hg19) VCF-style: chr2-232894712-T-C.
Other names: c.288T>C, p.Ile96= (NM_001257281.2, NM_001257282.2).
Identifiers: ClinVar variation 702508 (VCV000702508.34), dbSNP rs746032745, ClinGen allele CA2163787.